The following is an entry in ClinVar:

NM_031935.3(HMCN1):c.5807A>G (p.Asn1936Ser)

Gene: HMCN1 (hemicentin 1; plus strand). Cytogenetic location: 1q31.1.
Variant type: single nucleotide variant.
Coding change: c.5807A>G on transcript NM_031935.3 (MANE Select); coding-DNA position 5807, A replaced by G.
Protein change: p.Asn1936Ser; replaces asparagine 1936 with serine.
Molecular consequence: missense variant.
Genome position (GRCh38, 1-based): chr1:186,037,991, A>G. VCF-style: chr1-186037991-A-G. GRCh37 (hg19) VCF-style: chr1-186007123-A-G.
Other names: short protein forms N1936S.
Identifiers: ClinVar variation 2484825 (VCV002484825.6), dbSNP rs764316876, ClinGen allele CA1292378.

ClinVar aggregate classification (germline): Uncertain significance. Review status: criteria provided, multiple submitters, no conflicts (2 of 4 stars). 2 submissions from 2 submitters: Uncertain significance (2). Last evaluated 2025-06-10.

Allele frequency attached by ClinVar (database versions not stated): gnomAD exomes below 0.00001; ExAC 0.00002; TOPMed 0.00010; gnomAD 0.00005.
gnomAD v4.1: 11 of 1,613,266 alleles (0.00068%); highest among the groups gnomAD compares: African/African-American, 0.013%; no homozygotes.

Submissions (2):

Ambry Genetics
Classification: Uncertain significance. Last evaluated: 2025-06-10. Review status: criteria provided, single submitter. Criteria: Ambry Variant Classification Scheme 2023. Collection method: clinical testing. Allele origin: germline.

Labcorp Genetics (formerly Invitae), Labcorp
Classification: Uncertain significance. Last evaluated: 2025-04-07. Review status: criteria provided, single submitter. Criteria: Invitae Variant Classification Sherloc (09022015). Collection method: clinical testing. Allele origin: germline.
Comment: This sequence change replaces asparagine, which is neutral and polar, with serine, which is neutral and polar, at codon 1936 of the HMCN1 protein (p.Asn1936Ser). This variant is present in population databases (rs764316876, gnomAD 0.03%). This variant has not been reported in the literature in individuals affected with HMCN1-related conditions. ClinVar contains an entry for this variant (Variation ID: 2484825). An algorithm developed to predict the effect of missense changes on protein structure and function outputs the following: PolyPhen-2: "Benign". The serine amino acid residue is found in multiple mammalian species, which suggests that this missense change does not adversely affect protein function. In summary, the available evidence is currently insufficient to determine the role of this variant in disease. Therefore, it has been classified as a Variant of Uncertain Significance.